The following is an entry in ClinVar:

NM_002582.4(PARN):c.168G>C (p.Lys56Asn)

Gene: PARN (poly(A)-specific ribonuclease; minus strand). Cytogenetic location: 16p13.12.
Variant type: single nucleotide variant.
Coding change: c.168G>C on transcript NM_002582.4 (MANE Select); coding-DNA position 168, G replaced by C.
Protein change: p.Lys56Asn; replaces lysine 56 with asparagine.
Molecular consequence: missense variant. On other transcripts: 5 prime UTR variant (1), intron variant (1).
Genome position (GRCh38, 1-based): chr16:14,628,181, C>G on the plus strand (G>C on the coding strand, the complement: PARN is on the minus strand). VCF-style: chr16-14628181-C-G. GRCh37 (hg19) VCF-style: chr16-14722038-C-G.
Other names: c.168G>C (NM_002582.3); c.-16G>C (NM_001134477.3); c.158+10G>C (NM_001242992.2); short protein forms K56N.
Identifiers: ClinVar variation 834009 (VCV000834009.10), dbSNP rs375964590, ClinGen allele CA7912520.

ClinVar aggregate classification (germline): Uncertain significance. Review status: criteria provided, multiple submitters, no conflicts (2 of 4 stars). 3 submissions from 3 submitters: Uncertain significance (2). 1 of the submissions does not count toward it. Last evaluated 2026-02-01.

Conditions:
Familial Interstitial Pneumonia.
Pulmonary fibrosis. Identifiers: MedGen C0034069, MONDO:0002771, HP:0002206.
Dyskeratosis congenita, autosomal recessive 6 (DKCB6). Identifiers: MedGen C4225356, MONDO:0014600, OMIM 616353.
Pulmonary fibrosis and/or bone marrow failure, Telomere-related, 4. Also called: PULMONARY FIBROSIS AND/OR BONE MARROW FAILURE SYNDROME, TELOMERE-RELATED, 4. Identifiers: Orphanet 2032, MedGen C4225347, MONDO:0014612, OMIM 616371.

Allele frequency attached by ClinVar (database versions not stated): gnomAD 0.00005; ExAC 0.00001; gnomAD exomes 0.00002; ESP Exome Variant Server 0.00008.
gnomAD v4.1: 169 of 1,586,514 alleles (0.011%); highest among the groups gnomAD compares: Non-Finnish European, 0.014%; no homozygotes.

Submissions (3):

Labcorp Genetics (formerly Invitae), Labcorp
Classification: Uncertain significance for Dyskeratosis congenita, autosomal recessive 6; Pulmonary fibrosis and/or bone marrow failure, Telomere-related, 4. Last evaluated: 2026-02-01. Review status: criteria provided, single submitter. Criteria: Invitae Variant Classification Sherloc (09022015). Collection method: clinical testing. Allele origin: germline.
Comment: This sequence change replaces lysine, which is basic and polar, with asparagine, which is neutral and polar, at codon 56 of the PARN protein (p.Lys56Asn). This variant is present in population databases (rs375964590, gnomAD 0.006%). This missense change has been observed in individual(s) with clinical features of pulmonary fibrosis (PMID: 28414520). ClinVar contains an entry for this variant (Variation ID: 834009). Invitae Evidence Modeling of protein sequence and biophysical properties (such as structural, functional, and spatial information, amino acid conservation, physicochemical variation, residue mobility, and thermodynamic stability) has been performed for this missense variant. However, the output from this modeling did not meet the statistical confidence thresholds required to predict the impact of this variant on PARN protein function. In summary, the available evidence is currently insufficient to determine the role of this variant in disease. Therefore, it has been classified as a Variant of Uncertain Significance.

Fulgent Genetics
Classification: Uncertain significance for Dyskeratosis congenita, autosomal recessive 6; Pulmonary fibrosis and/or bone marrow failure, Telomere-related, 4. Last evaluated: 2024-04-22. Review status: criteria provided, single submitter. Criteria: ACMG Guidelines, 2015. Collection method: clinical testing. Allele origin: germline.

University of Washington Center for Mendelian Genomics, University of Washington
Classification: Uncertain significance for Pulmonary Fibrosis; Familial Interstitial Pneumonia. Review status: no assertion criteria provided. Collection method: research. Allele origin: inherited. Affected: yes. Not counted in ClinVar's aggregate classification.

Literature cited by the submitters: PubMed 28414520 (cited by Labcorp Genetics (formerly Invitae), Labcorp and University of Washington Center for Mendelian Genomics, University of Washington).